The following is an entry in ClinVar:

NM_001387690.1(KATNAL2):c.1212-833A>G

Gene: KATNAL2 (katanin catalytic subunit A1 like 2; plus strand). Cytogenetic location: 18q21.1.
Variant type: single nucleotide variant.
Coding change: c.1212-833A>G on transcript NM_001387690.1 (MANE Select); 833 bases into the intron before coding-DNA position 1212, A replaced by G.
Molecular consequence: intron variant. On other transcripts: synonymous variant (5), 3 prime UTR variant (2), non-coding transcript variant (1).
Genome position (GRCh38, 1-based): chr18:47,098,410, A>G. VCF-style: chr18-47098410-A-G. GRCh37 (hg19) VCF-style: chr18-44624781-A-G.
Other names: c.1449A>G, p.Gly483= (NM_001353901.1); c.1428A>G, p.Gly476= (NM_001353902.1); c.1116A>G, p.Gly372= (NM_001353905.1, NM_001353906.1); c.*145A>G (NM_001353907.1); c.1017A>G, p.Gly339= (NM_001353908.1); c.*285A>G (NM_001353909.1); c.780-833A>G (NM_001353904.1); c.1290-833A>G (NM_001353899.1); and 4 more.
Identifiers: ClinVar variation 2648710 (VCV002648710.24), dbSNP rs1232476045, ClinGen allele CA629924842.
Genomic context (GRCh38, chr18:47,098,410, plus strand): 5'-GGCAAAAGACACTTCTTATATGGTGGCAGCAAGAGAAAATGAGGAAGACGCAAGAAGCGG[A>G]AACCCCTGATAAAACCATCAGACCTTGTGAGACTTATTCACTACCATGAGAACAGCATGC-3'

ClinVar aggregate classification (germline): Likely benign (1 of 4 stars; one submission).

Allele frequency attached by ClinVar (database versions not stated): TOPMed below 0.00001; gnomAD 0.00001.

Submission:

CeGaT Center for Human Genetics Tuebingen
Classification: Likely benign. Last evaluated: 2022-11-01. Review status: criteria provided, single submitter. Criteria: CeGaT Center For Human Genetics Tuebingen Variant Classification Criteria Version 2. Collection method: clinical testing. Allele origin: germline. Affected: yes. Observed: 1 variant allele.
Comment: KATNAL2: BP4, BP7